The following is an entry in ClinVar:

ClinVar aggregate classification (germline): Uncertain significance (1 of 4 stars; one submission).

Conditions:
Pontocerebellar hypoplasia type 1A (PCH1A). Also called: PONTOCEREBELLAR HYPOPLASIA WITH ANTERIOR HORN CELL DISEASE; PONTOCEREBELLAR HYPOPLASIA WITH INFANTILE SPINAL MUSCULAR ATROPHY. Identifiers: Orphanet 2254, Orphanet 88616, MedGen C1843504, MONDO:0011866, OMIM 607596.

Submission:

Labcorp Genetics (formerly Invitae), Labcorp
Classification: Uncertain significance for Pontocerebellar hypoplasia type 1A. Last evaluated: 2024-08-09. Review status: criteria provided, single submitter. Criteria: Invitae Variant Classification Sherloc (09022015). Collection method: clinical testing. Allele origin: germline.
Comment: This sequence change falls in intron 11 of the VRK1 gene. It does not directly change the encoded amino acid sequence of the VRK1 protein. It affects a nucleotide within the consensus splice site. This variant is not present in population databases (gnomAD no frequency). This variant has not been reported in the literature in individuals affected with VRK1-related conditions. Variants that disrupt the consensus splice site are a relatively common cause of aberrant splicing (PMID: 17576681, 9536098). Algorithms developed to predict the effect of sequence changes on RNA splicing suggest that this variant is not likely to affect RNA splicing. In summary, the available evidence is currently insufficient to determine the role of this variant in disease. Therefore, it has been classified as a Variant of Uncertain Significance.

Literature cited by the submitters: PubMed 17576681; PubMed 9536098.

NM_003384.3(VRK1):c.1068+3del

Gene: VRK1 (VRK serine/threonine kinase 1; plus strand). Cytogenetic location: 14q32.2.
Variant type: Deletion.
Coding change: c.1068+3del on transcript NM_003384.3 (MANE Select); 3 bases into the intron after coding-DNA position 1068, one base deleted (G; older notation c.1068+3delG).
Molecular consequence: intron variant.
Genome position (GRCh38, 1-based): chr14:96,860,738, G deleted. VCF-style (leftmost placement, unchanged base first): chr14-96860737-TG-T. GRCh37 (hg19) VCF-style: chr14-97327074-TG-T.
Other names: c.1068+3del (NM_001411051.1, NM_001411053.1).
Identifiers: ClinVar variation 3661834 (VCV003661834.2).